The following is an entry in ClinVar:

ClinVar aggregate classification (germline): Benign. Review status: criteria provided, multiple submitters, no conflicts (2 of 4 stars). 7 submissions from 7 submitters: Benign (5). 2 of the submissions do not count toward it. Last evaluated 2026-02-03.

Conditions:
Pontoneocerebellar hypoplasia. Also called: Pontocerebellar hypoplasia; Non-syndromic pontocerebellar hypoplasia. Identifiers: Orphanet 98523, MedGen C1261175, MONDO:0020135.

Allele frequency attached by ClinVar (database versions not stated): 1000 Genomes Project 30x 0.75203; TOPMed 0.78873; gnomAD 0.79718 and 0.80164; gnomAD exomes 0.80409.

Submissions (7):

Labcorp Genetics (formerly Invitae), Labcorp
Classification: Benign. Last evaluated: 2026-02-03. Review status: criteria provided, single submitter. Criteria: Invitae Variant Classification Sherloc (09022015). Collection method: clinical testing. Allele origin: germline.

Illumina Laboratory Services, Illumina
Classification: Benign for Pontoneocerebellar hypoplasia. Last evaluated: 2018-01-13. Review status: criteria provided, single submitter. Criteria: ICSL Variant Classification Criteria 13 December 2019. Collection method: clinical testing. Allele origin: germline.
Comment: This variant was observed in the ICSL laboratory as part of a predisposition screen in an ostensibly healthy population. It had not been previously curated by ICSL or reported in the Human Gene Mutation Database (HGMD: prior to June 1st, 2018), and was therefore a candidate for classification through an automated scoring system. Utilizing variant allele frequency, disease prevalence and penetrance estimates, and inheritance mode, an automated score was calculated to assess if this variant is too frequent to cause the disease. Based on the score and internal cut-off values, a variant classified as benign is not then subjected to further curation. The score for this variant resulted in a classification of benign for this disease.

GeneDx
Classification: Benign. Last evaluated: 2015-03-03. Review status: criteria provided, single submitter. Criteria: GeneDx Variant Classification Process June 2021. Collection method: clinical testing. Allele origin: germline. Affected: yes.

Genetic Services Laboratory, University of Chicago
Classification: Benign. Last evaluated: 2013-02-08. Review status: criteria provided, single submitter. Criteria: ACMG Guidelines, 2007. Collection method: clinical testing. Allele origin: germline. Inheritance: Autosomal recessive inheritance.

Breakthrough Genomics
Classification: Benign. Review status: criteria provided, single submitter. Criteria: ACMG Guidelines, 2015. Collection method: not provided. Allele origin: germline. Inheritance: Autosomal recessive inheritance. Affected: yes.

Clinical Genetics, Academic Medical Center
Classification: Benign. Review status: no assertion criteria provided. Collection method: clinical testing. Allele origin: germline. Affected: yes. Study: VKGL Data-share Consensus. Not counted in ClinVar's aggregate classification.

Diagnostic Laboratory, Department of Genetics, University Medical Center Groningen
Classification: Benign. Review status: no assertion criteria provided. Collection method: clinical testing. Allele origin: germline. Affected: yes. Study: VKGL Data-share Consensus. Not counted in ClinVar's aggregate classification.

NM_001077446.4(TSEN34):c.795= (p.Pro265=)

Gene: TSEN34 (tRNA splicing endonuclease subunit 34; plus strand). Cytogenetic location: 19q13.42.
Variant type: single nucleotide variant.
Coding change: c.795= on transcript NM_001077446.4 (MANE Select); coding-DNA position 795, no change from the reference sequence.
Protein change: p.Pro265=; no amino-acid change (proline 265 retained).
Molecular consequence: no sequence alteration.
Genome position: GRCh38 VCF-style: chr19-54193224-T-T. GRCh37 (hg19) VCF-style: chr19-54697079-C-T.
Other names: c.795=, p.Pro265= (NM_001282332.2, NM_001282333.2, NM_001386740.1 and 1 more transcripts).
Identifiers: ClinVar variation 160122 (VCV000160122.24), dbSNP rs7595.